The following is an entry in ClinVar:

ClinVar aggregate classification (germline): Uncertain significance (1 of 4 stars; one submission).

Conditions:
Fanconi anemia (FA). Also called: Fanconi's anemia. Identifiers: Orphanet 84, MedGen C0015625, MeSH D005199, MONDO:0019391.

Allele frequency attached by ClinVar (database versions not stated): gnomAD 0.00001; TOPMed below 0.00001; ExAC 0.00001.

Submission:

Labcorp Genetics (formerly Invitae), Labcorp
Classification: Uncertain significance for Fanconi anemia. Last evaluated: 2022-06-25. Review status: criteria provided, single submitter. Criteria: Invitae Variant Classification Sherloc (09022015). Collection method: clinical testing. Allele origin: germline.
Comment: This variant occurs in a non-coding region of the FANCC gene. It does not change the encoded amino acid sequence of the FANCC protein. This variant is present in population databases (rs772475410, gnomAD 0.0009%). This variant has not been reported in the literature in individuals affected with FANCC-related conditions. Algorithms developed to predict the effect of sequence changes on RNA splicing suggest that this variant may create or strengthen a splice site. In summary, the available evidence is currently insufficient to determine the role of this variant in disease. Therefore, it has been classified as a Variant of Uncertain Significance.

NM_000136.3(FANCC):c.-19C>T

Gene: FANCC (FA complementation group C; minus strand). Cytogenetic location: 9q22.32.
Variant type: single nucleotide variant.
Coding change: c.-19C>T on transcript NM_000136.3 (MANE Select); 19 bases upstream of the start codon, C replaced by T.
Molecular consequence: 5 prime UTR variant.
Genome position (GRCh38, 1-based): chr9:95,249,310, G>A on the plus strand (C>T on the coding strand, the complement: FANCC is on the minus strand). VCF-style: chr9-95249310-G-A. GRCh37 (hg19) VCF-style: chr9-98011592-G-A.
Other names: c.-19C>T (NM_001243743.2, NM_001243744.2).
Identifiers: ClinVar variation 2146262 (VCV002146262.1), dbSNP rs772475410, ClinGen allele CA5137856.